The following is an entry in ClinVar:

ClinVar aggregate classification (germline): Uncertain significance (1 of 4 stars; one submission).

Allele frequency attached by ClinVar (database versions not stated): gnomAD exomes below 0.00001.
gnomAD v4.1: 2 of 1,585,730 alleles (0.00013%); highest among the groups gnomAD compares: Non-Finnish European, 0.00017%; no homozygotes.

Submission:

Labcorp Genetics (formerly Invitae), Labcorp
Classification: Uncertain significance. Last evaluated: 2023-07-16. Review status: criteria provided, single submitter. Criteria: Invitae Variant Classification Sherloc (09022015). Collection method: clinical testing. Allele origin: germline.
Comment: In summary, the available evidence is currently insufficient to determine the role of this variant in disease. Therefore, it has been classified as a Variant of Uncertain Significance. Advanced modeling of protein sequence and biophysical properties (such as structural, functional, and spatial information, amino acid conservation, physicochemical variation, residue mobility, and thermodynamic stability) has been performed at Invitae for this missense variant, however the output from this modeling did not meet the statistical confidence thresholds required to predict the impact of this variant on CACNA1E protein function. ClinVar contains an entry for this variant (Variation ID: 1401237). This missense change has been observed in individual(s) with clinical features of developmental and epileptic encephalopathy (Invitae). This variant is not present in population databases (gnomAD no frequency). This sequence change replaces arginine, which is basic and polar, with glutamine, which is neutral and polar, at codon 575 of the CACNA1E protein (p.Arg575Gln).

NM_001205293.3(CACNA1E):c.1724G>A (p.Arg575Gln)

Gene: CACNA1E (calcium voltage-gated channel subunit alpha1 E; plus strand). Cytogenetic location: 1q25.3.
Variant type: single nucleotide variant.
Coding change: c.1724G>A on transcript NM_001205293.3 (MANE Select); coding-DNA position 1724, G replaced by A.
Protein change: p.Arg575Gln; replaces arginine 575 with glutamine.
Molecular consequence: missense variant.
Genome position (GRCh38, 1-based): chr1:181,719,836, G>A. VCF-style: chr1-181719836-G-A. GRCh37 (hg19) VCF-style: chr1-181688972-G-A.
Other names: c.1724G>A, p.Arg575Gln (NM_000721.4, NM_001205294.2); short protein forms R575Q.
Identifiers: ClinVar variation 1401237 (VCV001401237.7), dbSNP rs2102476576, ClinGen allele CA343626712.
Genomic context (GRCh38, chr1:181,719,836, plus strand): 5'-TGGTCTGGGCAATCTTCAGACCTGGTACGTCTTTTGGAATCAGTGTCTTGCGAGCCCTCC[G>A]GCTTCTAAGAATATTTAAAATAACCAAGTAAGTGATCAGAATTTGGACTTTTCCCAATGT-3'
Protein context (NP_001192222.1, residues 565-585): SFGISVLRAL[Arg575Gln]LLRIFKITKY